The following is an entry in ClinVar:

ClinVar aggregate classification (germline): Uncertain significance (1 of 4 stars; one submission).

Conditions:
Familial thoracic aortic aneurysm and aortic dissection (TAAD). Also called: Thoracic aortic aneurysms and dissections. Identifiers: Orphanet 91387, MedGen C4707243, MONDO:0019625.
Marfan syndrome (MFS). Also called: Marfan syndrome, classic; Marfan syndrome type 1; Marfan's syndrome; FBN1-Related Marfan Syndrome; MARFAN SYNDROME, TYPE I. Identifiers: Orphanet 284963, Orphanet 558, MedGen C0024796, MONDO:0007947, OMIM 154700.

Submission:

Labcorp Genetics (formerly Invitae), Labcorp
Classification: Uncertain significance for Marfan syndrome; Familial thoracic aortic aneurysm and aortic dissection. Last evaluated: 2019-08-14. Review status: criteria provided, single submitter. Criteria: Invitae Variant Classification Sherloc (09022015). Collection method: clinical testing. Allele origin: germline.
Comment: This sequence change falls in intron 21 of the FBN1 gene. It does not directly change the encoded amino acid sequence of the FBN1 protein, but it affects a nucleotide within the consensus splice site of the intron. In summary, the available evidence is currently insufficient to determine the role of this variant in disease. Therefore, it has been classified as a Variant of Uncertain Significance. Nucleotide substitutions within the consensus splice site are a relatively common cause of aberrant splicing (PMID: 17576681, 9536098). Algorithms developed to predict the effect of sequence changes on RNA splicing suggest that this variant is not likely to affect RNA splicing, but this prediction has not been confirmed by published transcriptional studies. This variant has not been reported in the literature in individuals with FBN1-related conditions. This variant is not present in population databases (ExAC no frequency).

Literature cited by the submitters: PubMed 17576681; PubMed 9536098.

NM_000138.5(FBN1):c.2539+6T>G

Gene: FBN1 (fibrillin 1; minus strand). Cytogenetic location: 15q21.1.
Variant type: single nucleotide variant.
Coding change: c.2539+6T>G on transcript NM_000138.5 (MANE Select); 6 bases into the intron after coding-DNA position 2539, T replaced by G.
Molecular consequence: intron variant.
Genome position (GRCh38, 1-based): chr15:48,495,463, A>C on the plus strand (T>G on the coding strand, the complement: FBN1 is on the minus strand). VCF-style: chr15-48495463-A-C. GRCh37 (hg19) VCF-style: chr15-48787660-A-C.
Identifiers: ClinVar variation 937641 (VCV000937641.8), dbSNP rs2043598669, ClinGen allele CA1139663911.